The following is an entry in ClinVar:

ClinVar aggregate classification (germline): Pathogenic (1 of 4 stars; one submission).

Submission:

Labcorp Genetics (formerly Invitae), Labcorp
Classification: Pathogenic. Last evaluated: 2022-09-19. Review status: criteria provided, single submitter. Criteria: Invitae Variant Classification Sherloc (09022015). Collection method: clinical testing. Allele origin: germline.
Comment: For these reasons, this variant has been classified as Pathogenic. This sequence change creates a premature translational stop signal (p.Pro745Serfs*24) in the COL2A1 gene. It is expected to result in an absent or disrupted protein product. Loss-of-function variants in COL2A1 are known to be pathogenic (PMID: 20179744). This variant is not present in population databases (gnomAD no frequency). This variant has not been reported in the literature in individuals affected with COL2A1-related conditions.

Literature cited by the submitters: PubMed 20179744.

NM_001844.5(COL2A1):c.2233_2234del (p.Pro745fs)

Gene: COL2A1 (collagen type II alpha 1 chain; minus strand). Cytogenetic location: 12q13.11.
Variant type: Deletion.
Coding change: c.2233_2234del on transcript NM_001844.5 (MANE Select); coding-DNA positions 2233 to 2234, 2 bases deleted (CC; older notation c.2233_2234delCC).
Protein change: p.Pro745fs; shifts the reading frame from proline 745.
Molecular consequence: frameshift variant.
Genome position (GRCh38, 1-based): chr12:47,982,569-47,982,570, GG deleted on the plus strand (CC on the coding strand, the reverse complement: COL2A1 is on the minus strand); deleting any 2 consecutive bases within chr12:47,982,569-47,982,571 gives the same sequence; the c. name uses the placement nearest the transcript's 3' end. VCF-style (leftmost placement, unchanged base first): chr12-47982568-AGG-A. GRCh37 (hg19) VCF-style: chr12-48376351-AGG-A.
Other names: c.2026_2027del, p.Pro676fs (NM_033150.3); short protein forms P745fs, P676fs.
Identifiers: ClinVar variation 2031302 (VCV002031302.4), dbSNP rs2540134211, ClinGen allele CA2580085586.